The following is an entry in ClinVar:

ClinVar aggregate classification (germline): Pathogenic (1 of 4 stars; one submission).

Conditions:
Primary ciliary dyskinesia. Also called: Ciliary dyskinesia. Identifiers: Orphanet 244, MedGen C0008780, MONDO:0016575, HP:0012265.

Submission:

Labcorp Genetics (formerly Invitae), Labcorp
Classification: Pathogenic for Primary ciliary dyskinesia. Last evaluated: 2023-11-05. Review status: criteria provided, single submitter. Criteria: Invitae Variant Classification Sherloc (09022015). Collection method: clinical testing. Allele origin: germline.
Comment: This sequence change creates a premature translational stop signal (p.Leu3539*) in the DNAH11 gene. It is expected to result in an absent or disrupted protein product. Loss-of-function variants in DNAH11 are known to be pathogenic (PMID: 18022865, 20513915, 22184204). This variant is not present in population databases (gnomAD no frequency). This variant has not been reported in the literature in individuals affected with DNAH11-related conditions. For these reasons, this variant has been classified as Pathogenic.

Literature cited by the submitters: PubMed 18022865; PubMed 20513915; PubMed 22184204.

NM_001277115.2(DNAH11):c.10616T>G (p.Leu3539Ter)

Gene: DNAH11 (dynein axonemal heavy chain 11; plus strand). Cytogenetic location: 7p15.3.
Variant type: single nucleotide variant.
Coding change: c.10616T>G on transcript NM_001277115.2 (MANE Select); coding-DNA position 10616, T replaced by G.
Protein change: p.Leu3539Ter; replaces leucine 3539 with a stop codon.
Molecular consequence: nonsense.
Genome position (GRCh38, 1-based): chr7:21,818,264, T>G. VCF-style: chr7-21818264-T-G. GRCh37 (hg19) VCF-style: chr7-21857882-T-G.
Other names: c.10637T>G, p.Leu3546Ter (NM_003777.3); short protein forms L3539*, L3546*.
Identifiers: ClinVar variation 2981534 (VCV002981534.3), dbSNP rs2535362460, ClinGen allele CA366949957.